The following is an entry in ClinVar:

NM_153485.3(NUP155):c.21C>T (p.Gly7=)

Gene: NUP155 (nucleoporin 155; minus strand). Cytogenetic location: 5p13.2.
Variant type: single nucleotide variant.
Coding change: c.21C>T on transcript NM_153485.3 (MANE Select); coding-DNA position 21, C replaced by T.
Protein change: p.Gly7=; no amino-acid change (glycine 7 retained).
Molecular consequence: synonymous variant. On other transcripts: 5 prime UTR variant (1).
Genome position (GRCh38, 1-based): chr5:37,370,957, G>A on the plus strand (C>T on the coding strand, the complement: NUP155 is on the minus strand). VCF-style: chr5-37370957-G-A. GRCh37 (hg19) VCF-style: chr5-37371059-G-A.
Other names: NC_000005.9:g.37371059G>A; c.21C>T, p.Gly7= (NM_001278312.2); c.-312C>T (NM_004298.4).
Identifiers: ClinVar variation 778866 (VCV000778866.7), dbSNP rs61756070, ClinGen allele CA3240498.

ClinVar aggregate classification (germline): Benign/Likely benign. Review status: criteria provided, multiple submitters, no conflicts (2 of 4 stars). 4 submissions from 4 submitters: Benign (2); Likely benign (1). 1 of the submissions does not count toward it. Last evaluated 2024-11-26.

Conditions:
NUP155-related disorder. Also called: NUP155-related condition.

Allele frequency attached by ClinVar (database versions not stated): ESP Exome Variant Server 0.00615; TOPMed 0.00642; 1000 Genomes Project 30x 0.00671; gnomAD 0.00683 and 0.00689; 1000 Genomes Project 0.00719; gnomAD exomes 0.00930; ExAC 0.00982.
gnomAD v4.1: 14,093 of 1,613,926 alleles (0.87%); highest among the groups gnomAD compares: South Asian, 2.2%; 112 homozygotes.

Submissions (10):

Blueprint Genetics
Classification: Likely benign. Last evaluated: 2024-11-26. Review status: criteria provided, single submitter. Criteria: ACMG Guidelines, 2015. Collection method: clinical testing. Allele origin: germline.

Labcorp Genetics (formerly Invitae), Labcorp
Classification: Benign. Last evaluated: 2018-06-15. Review status: criteria provided, single submitter. Criteria: Invitae Variant Classification Sherloc (09022015). Collection method: clinical testing. Allele origin: germline.

Breakthrough Genomics
Classification: Benign. Review status: criteria provided, single submitter. Criteria: ACMG Guidelines, 2015. Collection method: not provided. Allele origin: germline. Inheritance: Autosomal recessive inheritance. Affected: yes.

PreventionGenetics, part of Exact Sciences
Classification: Benign for NUP155-related condition. Last evaluated: 2024-06-06. Review status: no assertion criteria provided. Collection method: clinical testing. Allele origin: germline. Not counted in ClinVar's aggregate classification.
Comment: This variant is classified as benign based on ACMG/AMP sequence variant interpretation guidelines (Richards et al. 2015 PMID: 25741868, with internal and published modifications).

Dr. Peter K. Rogan Lab, Western University
No classification provided (evidence only). Condition: Lung cancer. Review status: no classification provided. Collection method: in vitro. Allele origin: not applicable. Functional consequence: retained intron. Not counted in ClinVar's aggregate classification.

Dr. Peter K. Rogan Lab, Western University
No classification provided (evidence only). Condition: Melanoma. Review status: no classification provided. Collection method: in vitro. Allele origin: not applicable. Functional consequence: retained intron. Not counted in ClinVar's aggregate classification.

Dr. Peter K. Rogan Lab, Western University
No classification provided (evidence only). Condition: Thyroid cancer, nonmedullary, 1. Review status: no classification provided. Collection method: in vitro. Allele origin: not applicable. Functional consequence: retained intron. Not counted in ClinVar's aggregate classification.

Dr. Peter K. Rogan Lab, Western University
No classification provided (evidence only). Condition: Cholangiocarcinoma. Review status: no classification provided. Collection method: in vitro. Allele origin: not applicable. Functional consequence: retained intron. Not counted in ClinVar's aggregate classification.

Dr. Peter K. Rogan Lab, Western University
No classification provided (evidence only). Condition: Chronic lymphocytic leukemia/small lymphocytic lymphoma. Review status: no classification provided. Collection method: in vitro. Allele origin: not applicable. Functional consequence: retained intron. Not counted in ClinVar's aggregate classification.

Dr. Peter K. Rogan Lab, Western University
No classification provided (evidence only). Condition: Ovarian cancer. Review status: no classification provided. Collection method: in vitro. Allele origin: not applicable. Functional consequence: retained intron. Not counted in ClinVar's aggregate classification.